The following is an entry in ClinVar:

NM_139076.3(ABRAXAS1):c.1172A>G (p.Asp391Gly)

Gene: ABRAXAS1 (abraxas 1, BRCA1 A complex subunit; minus strand). Cytogenetic location: 4q21.23.
Variant type: single nucleotide variant.
Coding change: c.1172A>G on transcript NM_139076.3 (MANE Select); coding-DNA position 1172, A replaced by G.
Protein change: p.Asp391Gly; replaces aspartic acid 391 with glycine.
Molecular consequence: missense variant.
Genome position (GRCh38, 1-based): chr4:83,462,527, T>C on the plus strand (A>G on the coding strand, the complement: ABRAXAS1 is on the minus strand). VCF-style: chr4-83462527-T-C. GRCh37 (hg19) VCF-style: chr4-84383680-T-C.
Other names: c.845A>G, p.Asp282Gly (NM_001345962.2); short protein forms D282G, D391G.
Identifiers: ClinVar variation 1799734 (VCV001799734.3), dbSNP rs2529417774, ClinGen allele CA357254972.

ClinVar aggregate classification (germline): Uncertain significance (1 of 4 stars; one submission).

Submission:

Ambry Genetics
Classification: Uncertain significance. Last evaluated: 2024-11-30. Review status: criteria provided, single submitter. Criteria: Ambry Variant Classification Scheme 2023. Collection method: clinical testing. Allele origin: germline.
Comment: The p.D391G variant (also known as c.1172A>G), located in coding exon 9 of the FAM175A gene, results from an A to G substitution at nucleotide position 1172. The aspartic acid at codon 391 is replaced by glycine, an amino acid with similar properties. This amino acid position is conserved. In addition, this alteration is predicted to be tolerated by in silico analysis. Since supporting evidence is limited at this time, the clinical significance of this alteration remains unclear.